The following is an entry in ClinVar:

NC_000014.8:g.(?_23869898)_(23897899_?)dup

Genes: MIR208B (microRNA 208b; minus strand), MYH6 (myosin heavy chain 6; minus strand), MYH7 (myosin heavy chain 7; minus strand). Cytogenetic location: 14q11.2.
Variant type: Duplication.
Identifiers: ClinVar variation 3243937 (VCV003243937.1).

ClinVar aggregate classification (germline): Uncertain significance (1 of 4 stars; one submission).

Conditions:
Hypertrophic cardiomyopathy. Also called: HYPERTROPHIC MYOCARDIOPATHY. Identifiers: Orphanet 217569, MedGen C0007194, MeSH D002312, MONDO:0005045, HP:0001639.

Submission:

Labcorp Genetics (formerly Invitae), Labcorp
Classification: Uncertain significance for Hypertrophic cardiomyopathy. Last evaluated: 2023-12-20. Review status: criteria provided, single submitter. Criteria: Invitae Variant Classification Sherloc (09022015). Collection method: clinical testing. Allele origin: unknown.
Comment: This variant results in a copy number gain of the genomic region encompassing exon(s) 15-40 of the MYH7 gene. This region includes the termination codon of the gene. This copy number gain extends beyond the assayed region for this gene and therefore may encompass additional genes. As the precise location of this event is unknown, it may be in tandem or it may be located elsewhere in the genome. A similar copy number variant has been observed in individual(s) with clinical features of hypertrophic cardiomyopathy (Invitae). Experimental studies and prediction algorithms are not available or were not evaluated, and the functional significance of this variant is currently unknown. In summary, the available evidence is currently insufficient to determine the role of this variant in disease. Therefore, it has been classified as a Variant of Uncertain Significance.